The following is an entry in ClinVar:

NM_006904.7(PRKDC):c.5956C>T (p.Arg1986Cys)

Gene: PRKDC (protein kinase, DNA-activated, catalytic subunit; minus strand). Cytogenetic location: 8q11.21.
Variant type: single nucleotide variant.
Coding change: c.5956C>T on transcript NM_006904.7 (MANE Select); coding-DNA position 5956, C replaced by T.
Protein change: p.Arg1986Cys; replaces arginine 1986 with cysteine.
Molecular consequence: missense variant.
Genome position (GRCh38, 1-based): chr8:47,862,091, G>A on the plus strand (C>T on the coding strand, the complement: PRKDC is on the minus strand). VCF-style: chr8-47862091-G-A. GRCh37 (hg19) VCF-style: chr8-48774652-G-A.
Other names: c.5956C>T, p.Arg1986Cys (NM_001081640.2); short protein forms R1986C.
Identifiers: ClinVar variation 1036584 (VCV001036584.7), dbSNP rs759650467, ClinGen allele CA4740531.

ClinVar aggregate classification (germline): Uncertain significance. Review status: criteria provided, multiple submitters, no conflicts (2 of 4 stars). 2 submissions from 2 submitters: Uncertain significance (2). Last evaluated 2025-01-19.

Conditions:
Severe combined immunodeficiency due to DNA-PKcs deficiency. Also called: IMMUNODEFICIENCY 26 WITH NEUROLOGIC ABNORMALITIES; Immunodeficiency 26 with or without neurologic abnormalities. Identifiers: Orphanet 317425, MedGen C4014833, MONDO:0014423, OMIM 615966.

Allele frequency attached by ClinVar (database versions not stated): gnomAD 0.00001; TOPMed 0.00001; gnomAD exomes 0.00002 and 0.00003; ExAC 0.00004.
gnomAD v4.1: 47 of 1,552,466 alleles (0.003%); highest among the groups gnomAD compares: South Asian, 0.02%; 1 homozygote.

Submissions (2):

Labcorp Genetics (formerly Invitae), Labcorp
Classification: Uncertain significance for Severe combined immunodeficiency due to DNA-PKcs deficiency. Last evaluated: 2025-01-19. Review status: criteria provided, single submitter. Criteria: Invitae Variant Classification Sherloc (09022015). Collection method: clinical testing. Allele origin: germline.
Comment: This sequence change replaces arginine, which is basic and polar, with cysteine, which is neutral and slightly polar, at codon 1986 of the PRKDC protein (p.Arg1986Cys). The frequency data for this variant in the population databases is considered unreliable, as metrics indicate poor data quality at this position in the gnomAD database. This variant has not been reported in the literature in individuals affected with PRKDC-related conditions. ClinVar contains an entry for this variant (Variation ID: 1036584). Invitae Evidence Modeling of protein sequence and biophysical properties (such as structural, functional, and spatial information, amino acid conservation, physicochemical variation, residue mobility, and thermodynamic stability) indicates that this missense variant is expected to disrupt PRKDC protein function with a positive predictive value of 80%. In summary, the available evidence is currently insufficient to determine the role of this variant in disease. Therefore, it has been classified as a Variant of Uncertain Significance.

Blueprint Genetics
Classification: Uncertain significance. Last evaluated: 2023-11-24. Review status: criteria provided, single submitter. Criteria: ACMG Guidelines, 2015. Collection method: clinical testing. Allele origin: germline.